The following is an entry in ClinVar:

ClinVar aggregate classification (germline): Benign. Review status: criteria provided, single submitter (1 of 4 stars). 2 submissions from 2 submitters: Benign (1). 1 of the submissions does not count toward it. Last evaluated 2025-02-10.

Conditions:
Haim-Munk syndrome (HMS). Also called: KERATOSIS PALMOPLANTARIS WITH PERIODONTOPATHIA AND ONYCHOGRYPOSIS; COCHIN JEWISH DISORDER. Identifiers: Orphanet 2342, MedGen C1855627, MONDO:0009491, OMIM 245010.
Periodontitis, aggressive. Identifiers: MedGen C0031106, MONDO:0980757.
Papillon-Lefèvre syndrome (PALS). Also called: KERATOSIS PALMOPLANTARIS WITH PERIODONTOPATHIA; Papillon-Lefevre Disease. Identifiers: Orphanet 678, MedGen C0030360, MONDO:0009490, OMIM 245000.
CTSC-related disorder. Also called: CTSC-related condition; CTSC-related disorders. Identifiers: MedGen CN375926, MONDO:0800465.

Submissions (2):

Labcorp Genetics (formerly Invitae), Labcorp
Classification: Benign for Haim-Munk syndrome; Periodontitis, aggressive; Papillon-Lefèvre syndrome. Last evaluated: 2025-02-10. Review status: criteria provided, single submitter. Criteria: Invitae Variant Classification Sherloc (09022015). Collection method: clinical testing. Allele origin: germline.

PreventionGenetics, part of Exact Sciences
Classification: Likely benign for CTSC-related condition. Last evaluated: 2020-01-08. Review status: no assertion criteria provided. Collection method: clinical testing. Allele origin: germline. Not counted in ClinVar's aggregate classification.
Comment: This variant is classified as likely benign based on ACMG/AMP sequence variant interpretation guidelines (Richards et al. 2015 PMID: 25741868, with internal and published modifications).

NM_001814.6(CTSC):c.173-8_173-7del

Gene: CTSC (cathepsin C; minus strand). Cytogenetic location: 11q14.2.
Variant type: Deletion.
Coding change: c.173-8_173-7del on transcript NM_001814.6 (MANE Select); 8 bases into the intron before coding-DNA position 173 through 7 bases into the intron before coding-DNA position 173, 2 bases deleted (TT; older notation c.173-8_173-7delTT).
Molecular consequence: intron variant.
Genome position (GRCh38, 1-based): chr11:88,335,089-88,335,090, AA deleted on the plus strand (TT on the coding strand, the reverse complement: CTSC is on the minus strand); deleting any 2 consecutive bases within chr11:88,335,089-88,335,101 gives the same sequence; the c. name uses the placement nearest the transcript's 3' end. VCF-style (leftmost placement, unchanged base first): chr11-88335088-GAA-G. GRCh37 (hg19) VCF-style: chr11-88068256-GAA-G.
Other names: c.173-8_173-7delTT (NM_001814.5); c.173-8_173-7del (NM_001114173.3, NM_148170.5).
Identifiers: ClinVar variation 2930306 (VCV002930306.5), dbSNP rs11326739, ClinGen allele CA6220115.